The following is an entry in ClinVar:

NM_006086.4(TUBB3):c.505G>A (p.Val169Ile)

Gene: TUBB3 (tubulin beta 3 class III; plus strand). Cytogenetic location: 16q24.3.
Variant type: single nucleotide variant.
Coding change: c.505G>A on transcript NM_006086.4 (MANE Select); coding-DNA position 505, G replaced by A.
Protein change: p.Val169Ile; replaces valine 169 with isoleucine.
Molecular consequence: missense variant.
Genome position (GRCh38, 1-based): chr16:89,934,956, G>A. VCF-style: chr16-89934956-G-A. GRCh37 (hg19) VCF-style: chr16-90001364-G-A.
Other names: c.289G>A, p.Val97Ile (NM_001197181.2); short protein forms V169I, V97I.
Identifiers: ClinVar variation 2099592 (VCV002099592.4), dbSNP rs2544627344, ClinGen allele CA397474714.
Genomic context (GRCh38, chr16:89,934,956, plus strand): 5'-ACGTTGCTCATCAGCAAGGTGCGTGAGGAGTATCCCGACCGCATCATGAACACCTTCAGC[G>A]TCGTGCCCTCACCCAAGGTGTCAGACACGGTGGTGGAGCCCTACAACGCCACGCTGTCCA-3'
Protein context (NP_006077.2, residues 159-179): YPDRIMNTFS[Val169Ile]VPSPKVSDTV

ClinVar aggregate classification (germline): Uncertain significance (1 of 4 stars; one submission).

Submission:

Labcorp Genetics (formerly Invitae), Labcorp
Classification: Uncertain significance. Last evaluated: 2022-05-07. Review status: criteria provided, single submitter. Criteria: Invitae Variant Classification Sherloc (09022015). Collection method: clinical testing. Allele origin: germline.
Comment: In summary, the available evidence is currently insufficient to determine the role of this variant in disease. Therefore, it has been classified as a Variant of Uncertain Significance. This sequence change replaces valine, which is neutral and non-polar, with isoleucine, which is neutral and non-polar, at codon 169 of the TUBB3 protein (p.Val169Ile). This variant is not present in population databases (gnomAD no frequency). This variant has not been reported in the literature in individuals affected with TUBB3-related conditions. Algorithms developed to predict the effect of missense changes on protein structure and function are either unavailable or do not agree on the potential impact of this missense change (SIFT: "Deleterious"; PolyPhen-2: "Benign"; Align-GVGD: "Class C25").